The following is an entry in ClinVar:

NM_004415.4(DSP):c.2542C>G (p.Leu848Val)

Gene: DSP (desmoplakin; plus strand). Cytogenetic location: 6p24.3.
Variant type: single nucleotide variant.
Coding change: c.2542C>G on transcript NM_004415.4 (MANE Select); coding-DNA position 2542, C replaced by G.
Protein change: p.Leu848Val; replaces leucine 848 with valine.
Molecular consequence: missense variant.
Genome position (GRCh38, 1-based): chr6:7,575,400, C>G. VCF-style: chr6-7575400-C-G. GRCh37 (hg19) VCF-style: chr6-7575633-C-G.
Other names: c.2542C>G, p.Leu848Val (NM_001008844.3, NM_001319034.2); short protein forms L848V.
Identifiers: ClinVar variation 3893925 (VCV003893925.2).

ClinVar aggregate classification (germline): Uncertain significance. Review status: criteria provided, multiple submitters, no conflicts (2 of 4 stars). 2 submissions from 2 submitters: Uncertain significance (2). Last evaluated 2025-06-22.

Conditions:
Cardiovascular phenotype. Identifiers: MedGen CN230736.
Cardiomyopathy (CMYO). Also called: Cardiomyopathies. Identifiers: Orphanet 167848, MedGen C0878544, MONDO:0004994, HP:0001638. Inheritance: Various modes of inheritance.

Submissions (2):

Ambry Genetics
Classification: Uncertain significance for Cardiovascular phenotype. Last evaluated: 2025-06-22. Review status: criteria provided, single submitter. Criteria: Ambry Variant Classification Scheme 2023. Collection method: clinical testing. Allele origin: germline.
Comment: The p.L848V variant (also known as c.2542C>G), located in coding exon 18 of the DSP gene, results from a C to G substitution at nucleotide position 2542. The leucine at codon 848 is replaced by valine, an amino acid with highly similar properties. This amino acid position is conserved. In addition, this alteration is predicted to be tolerated by in silico analysis. Based on the available evidence, the clinical significance of this variant remains unclear.

Color Diagnostics, LLC DBA Color Health
Classification: Uncertain significance for Cardiomyopathy. Last evaluated: 2024-12-16. Review status: criteria provided, single submitter. Criteria: ACMG Guidelines, 2015. Collection method: clinical testing. Allele origin: germline.
Comment: This missense variant replaces leucine with valine at codon 848 of the DSP protein. Computational prediction suggests that this variant may not impact protein structure and function (internally defined REVEL score threshold <= 0.5, PMID: 27666373). To our knowledge, functional studies have not been reported for this variant. This variant has not been reported in individuals affected with DSP-related disorders in the literature. This variant has not been identified in the general population by the Genome Aggregation Database (gnomAD). The available evidence is insufficient to determine the role of this variant in disease conclusively. Therefore, this variant is classified as a Variant of Uncertain Significance.